The following is an entry in ClinVar:

NM_000256.3(MYBPC3):c.93C>T (p.Ala31=)

Gene: MYBPC3 (myosin binding protein C3; minus strand). Cytogenetic location: 11p11.2.
Variant type: single nucleotide variant.
Coding change: c.93C>T on transcript NM_000256.3 (MANE Select); coding-DNA position 93, C replaced by T.
Protein change: p.Ala31=; no amino-acid change (alanine 31 retained).
Molecular consequence: synonymous variant.
Genome position (GRCh38, 1-based): chr11:47,351,438, G>A on the plus strand (C>T on the coding strand, the complement: MYBPC3 is on the minus strand). VCF-style: chr11-47351438-G-A. GRCh37 (hg19) VCF-style: chr11-47372989-G-A.
Identifiers: ClinVar variation 42811 (VCV000042811.27), dbSNP rs397516085, ClinGen allele CA016169.
Genomic context (GRCh38, chr11:47,351,438, plus strand): 5'-GGCGCTGATGTCACTGCCTCCGCGCTGCCAGCGCACCTTCACTCCTGCCCGCTCTGTCTC[G>A]GCCTCGAACACGGCAGGGCTGCCTGCGGCCACTTCCACTGACCGTGGCTTCTTGCTAAAA-3'
Protein context (NP_000247.2, residues 21-41): VAAGSPAVFE[Ala31=]ETERAGVKVR

ClinVar aggregate classification (germline): Benign/Likely benign. Review status: criteria provided, multiple submitters, no conflicts (2 of 4 stars). 10 submissions from 10 submitters: Benign (2); Likely benign (7). 1 of the submissions does not count toward it. Last evaluated 2026-02-23.

Conditions:
MYBPC3-related disorder. Also called: MYBPC3-related disorders; MYBPC3-related condition; MYBPC3-related disease.
Cardiovascular phenotype. Identifiers: MedGen CN230736.
Cardiomyopathy (CMYO). Also called: Cardiomyopathies. Identifiers: Orphanet 167848, MedGen C0878544, MONDO:0004994, HP:0001638. Inheritance: Various modes of inheritance.
Hypertrophic cardiomyopathy. Also called: HYPERTROPHIC MYOCARDIOPATHY. Identifiers: Orphanet 217569, MedGen C0007194, MeSH D002312, MONDO:0005045, HP:0001639.

Allele frequency attached by ClinVar (database versions not stated): gnomAD 0.00007 and 0.00008; TOPMed 0.00009; gnomAD exomes 0.00019 and 0.00005; ExAC 0.00026.
gnomAD v4.1: 82 of 1,608,954 alleles (0.0051%); highest among the groups gnomAD compares: Admixed American, 0.084%; no homozygotes.

Submissions (10):

Women's Health and Genetics/Laboratory Corporation of America, LabCorp
Classification: Likely benign. Last evaluated: 2026-02-23. Review status: criteria provided, single submitter. Criteria: LabCorp Variant Classification Summary - May 2015. Collection method: clinical testing. Allele origin: germline.

CeGaT Center for Human Genetics Tuebingen
Classification: Likely benign. Last evaluated: 2026-01-01. Review status: criteria provided, single submitter. Criteria: CeGaT Center For Human Genetics Tuebingen Variant Classification Criteria Version 2. Collection method: clinical testing. Allele origin: germline. Affected: yes. Observed: 1 variant allele.
Comment: MYBPC3: BP4, BP7

Labcorp Genetics (formerly Invitae), Labcorp
Classification: Benign for Hypertrophic cardiomyopathy. Last evaluated: 2025-09-25. Review status: criteria provided, single submitter. Criteria: Invitae Variant Classification Sherloc (09022015). Collection method: clinical testing. Allele origin: germline.

All of Us Research Program, National Institutes of Health
Classification: Likely benign for Hypertrophic cardiomyopathy. Last evaluated: 2024-02-05. Review status: criteria provided, single submitter. Criteria: ACMG Guidelines, 2015. Collection method: clinical testing. Allele origin: germline. Inheritance: Autosomal dominant inheritance. Observed: 11 variant alleles, 11 heterozygotes.
Comment: This study involves interpretation of variants in research participants for the purpose of population health screening. Participant phenotype was not available at the time of variant classification. Additional details can be found in publication PMID: 35346344, PMCID: PMC8962531

Blueprint Genetics
Classification: Likely benign. Last evaluated: 2023-04-12. Review status: criteria provided, single submitter. Criteria: ACMG Guidelines, 2015. Collection method: clinical testing. Allele origin: germline.

Ambry Genetics
Classification: Likely benign for Cardiovascular phenotype. Last evaluated: 2020-04-29. Review status: criteria provided, single submitter. Criteria: Ambry Variant Classification Scheme 2023. Collection method: clinical testing. Allele origin: germline.

Color Diagnostics, LLC DBA Color Health
Classification: Likely benign for Cardiomyopathy. Last evaluated: 2019-07-15. Review status: criteria provided, single submitter. Criteria: ACMG Guidelines, 2015. Collection method: clinical testing. Allele origin: germline.

GeneDx
Classification: Benign. Last evaluated: 2017-03-23. Review status: criteria provided, single submitter. Criteria: GeneDx Variant Classification (06012015). Collection method: clinical testing. Allele origin: germline. Affected: yes.
Comment: This variant is considered likely benign or benign based on one or more of the following criteria: it is a conservative change, it occurs at a poorly conserved position in the protein, it is predicted to be benign by multiple in silico algorithms, and/or has population frequency not consistent with disease.

Laboratory for Molecular Medicine, Mass General Brigham Personalized Medicine
Classification: Likely benign. Last evaluated: 2010-06-14. Review status: criteria provided, single submitter. Criteria: LMM Criteria. Collection method: clinical testing. Allele origin: germline. Observed: 1 variant allele.
Comment: This variant is not expected to have clinical significance because it does not c hange an amino acid residue and is not located in the conserved region of the sp licing consensus sequence.

PreventionGenetics, part of Exact Sciences
Classification: Likely benign for MYBPC3-related condition. Last evaluated: 2020-09-30. Review status: no assertion criteria provided. Collection method: clinical testing. Allele origin: germline. Not counted in ClinVar's aggregate classification.
Comment: This variant is classified as likely benign based on ACMG/AMP sequence variant interpretation guidelines (Richards et al. 2015 PMID: 25741868, with internal and published modifications).